The following is an entry in ClinVar:

NM_000155.4(GALT):c.519C>G (p.Asn173Lys)

Gene: GALT (galactose-1-phosphate uridylyltransferase; plus strand). Cytogenetic location: 9p13.3.
Variant type: single nucleotide variant.
Coding change: c.519C>G on transcript NM_000155.4 (MANE Select); coding-DNA position 519, C replaced by G.
Protein change: p.Asn173Lys; replaces asparagine 173 with lysine.
Molecular consequence: missense variant.
Genome position (GRCh38, 1-based): chr9:34,648,126, C>G. VCF-style: chr9-34648126-C-G. GRCh37 (hg19) VCF-style: chr9-34648123-C-G.
Other names: p.Asn173Lys; c.192C>G, p.Asn64Lys (NM_001258332.2); short protein forms N173K, N64K.
Identifiers: ClinVar variation 2683038 (VCV002683038.1), dbSNP rs1297252490, ClinGen allele CA373281395.

ClinVar aggregate classification (germline): Uncertain significance (1 of 4 stars; one submission).

Allele frequency attached by ClinVar (database versions not stated): TOPMed below 0.00001; gnomAD 0.00001.

Submission:

Mayo Clinic Laboratories, Mayo Clinic
Classification: Uncertain significance. Last evaluated: 2022-11-03. Review status: criteria provided, single submitter. Criteria: ACMG Guidelines, 2015. Collection method: clinical testing. Allele origin: germline. Observed: 1 variant allele.
Comment: PP3, PP4, PM2